The following is an entry in ClinVar:

ClinVar aggregate classification (germline): Likely benign (1 of 4 stars; one submission).

Submission:

GeneDx
Classification: Likely benign. Last evaluated: 2016-07-25. Review status: criteria provided, single submitter. Criteria: GeneDx Variant Classification (06012015). Collection method: clinical testing. Allele origin: germline. Affected: yes.
Comment: This variant is considered likely benign or benign based on one or more of the following criteria: it is a conservative change, it occurs at a poorly conserved position in the protein, it is predicted to be benign by multiple in silico algorithms, and/or has population frequency not consistent with disease.

NM_058216.3(RAD51C):c.-22G>C

Gene: RAD51C (RAD51 paralog C; plus strand). Cytogenetic location: 17q22.
Variant type: single nucleotide variant.
Coding change: c.-22G>C on transcript NM_058216.3 (MANE Select); 22 bases upstream of the start codon, G replaced by C.
Molecular consequence: 5 prime UTR variant. On other transcripts: non-coding transcript variant (2).
Genome position (GRCh38, 1-based): chr17:58,692,622, G>C. VCF-style: chr17-58692622-G-C. GRCh37 (hg19) VCF-style: chr17-56769983-G-C.
Other names: c.-22G>C (NM_002876.4).
Identifiers: ClinVar variation 388066 (VCV000388066.1), dbSNP rs1057522983, ClinGen allele CA16608546.